The following is an entry in ClinVar:

NM_018941.4(CLN8):c.323C>T (p.Thr108Met)

Gene: CLN8 (CLN8 transmembrane ER and ERGIC protein; plus strand). Cytogenetic location: 8p23.3.
Variant type: single nucleotide variant.
Coding change: c.323C>T on transcript NM_018941.4 (MANE Select); coding-DNA position 323, C replaced by T.
Protein change: p.Thr108Met; replaces threonine 108 with methionine.
Molecular consequence: missense variant.
Genome position (GRCh38, 1-based): chr8:1,771,377, C>T. VCF-style: chr8-1771377-C-T. GRCh37 (hg19) VCF-style: chr8-1719543-C-T.
Other names: short protein forms T108M.
Identifiers: ClinVar variation 944418 (VCV000944418.8), dbSNP rs143701028, ClinGen allele CA4599249.

ClinVar aggregate classification (germline): Uncertain significance. Review status: criteria provided, multiple submitters, no conflicts (2 of 4 stars). 4 submissions from 4 submitters: Uncertain significance (3). 1 of the submissions does not count toward it. Last evaluated 2023-11-27.

Conditions:
Inborn genetic diseases. Identifiers: MedGen C0950123, MeSH D030342.
Neuronal ceroid lipofuscinosis. Also called: Neuronal Ceroid Lipofuscinoses. Identifiers: Orphanet 216, Orphanet 79263, MedGen C0027877, MONDO:0016295. Disease mechanism: loss of function.
Neuronal ceroid lipofuscinosis 8 (CLN8). Also called: CLN8-Related Neuronal Ceroid-Lipofuscinosis. Identifiers: Orphanet 168491, Orphanet 228354, Orphanet 79264, MedGen C1838570, MONDO:0010830, OMIM 600143.

Allele frequency attached by ClinVar (database versions not stated): gnomAD exomes below 0.00001 and 0.00001; gnomAD 0.00001; ExAC 0.00002; ESP Exome Variant Server 0.00008; 1000 Genomes Project 30x 0.00016; 1000 Genomes Project 0.00020.

Submissions (4):

Labcorp Genetics (formerly Invitae), Labcorp
Classification: Uncertain significance for Neuronal ceroid lipofuscinosis. Last evaluated: 2023-11-27. Review status: criteria provided, single submitter. Criteria: Invitae Variant Classification Sherloc (09022015). Collection method: clinical testing. Allele origin: germline.
Comment: This sequence change replaces threonine, which is neutral and polar, with methionine, which is neutral and non-polar, at codon 108 of the CLN8 protein (p.Thr108Met). This variant is present in population databases (rs143701028, gnomAD 0.006%). This variant has not been reported in the literature in individuals affected with CLN8-related conditions. ClinVar contains an entry for this variant (Variation ID: 944418). Advanced modeling of protein sequence and biophysical properties (such as structural, functional, and spatial information, amino acid conservation, physicochemical variation, residue mobility, and thermodynamic stability) performed at Invitae indicates that this missense variant is not expected to disrupt CLN8 protein function with a negative predictive value of 80%. In summary, the available evidence is currently insufficient to determine the role of this variant in disease. Therefore, it has been classified as a Variant of Uncertain Significance.

Blueprint Genetics
Classification: Uncertain significance. Last evaluated: 2017-11-23. Review status: criteria provided, single submitter. Criteria: ACMG Guidelines, 2015. Collection method: clinical testing. Allele origin: germline.

Ambry Genetics
Classification: Uncertain significance for Inborn genetic diseases. Last evaluated: 2017-06-28. Review status: criteria provided, single submitter. Criteria: Ambry Variant Classification Scheme 2023. Collection method: clinical testing. Allele origin: germline.
Comment: The p.T108M variant (also known as c.323C>T), located in coding exon 1 of the CLN8 gene, results from a C to T substitution at nucleotide position 323. The threonine at codon 108 is replaced by methionine, an amino acid with similar properties. This amino acid position is poorly conserved in available vertebrate species. In addition, the in silico prediction for this alteration is inconclusive. Since supporting evidence is limited at this time, the clinical significance of this alteration remains unclear.

Natera, Inc.
Classification: Uncertain significance for Neuronal ceroid lipofuscinosis 8. Last evaluated: 2020-01-26. Review status: no assertion criteria provided. Collection method: clinical testing. Allele origin: germline. Not counted in ClinVar's aggregate classification.

Literature cited by the submitters: PubMed 26657971 (cited by Ambry Genetics).